The following is an entry in ClinVar:

ClinVar aggregate classification (germline): Uncertain significance (1 of 4 stars; one submission).

Conditions:
Leber congenital amaurosis (LCA). Also called: Leber's amaurosis. Identifiers: Orphanet 65, MedGen C0339527, MeSH D057130, MONDO:0018998.

Submission:

Lab De Baere, Eye and Developmental Genetics Lab, Ghent University
Classification: Uncertain significance for Leber congenital amaurosis. Last evaluated: 2024-10-01. Review status: criteria provided, single submitter. Criteria: ACMG Guidelines, 2015. Collection method: research. Allele origin: inherited. Affected: yes. Observed: 1 variant allele.
Comment: ACMG/AMP guidelines: PM2, BP1, PP3

NM_001034853.2(RPGR):c.1121A>G (p.Glu374Gly)

Gene: RPGR (retinitis pigmentosa GTPase regulator; minus strand). Cytogenetic location: Xp11.4.
Variant type: single nucleotide variant.
Coding change: c.1121A>G on transcript NM_001034853.2 (MANE Select); coding-DNA position 1121, A replaced by G.
Protein change: p.Glu374Gly; replaces glutamic acid 374 with glycine.
Molecular consequence: missense variant. On other transcripts: non-coding transcript variant (6), intron variant (2).
Genome position (GRCh38, 1-based): chrX:38,299,080, T>C on the plus strand (A>G on the coding strand, the complement: RPGR is on the minus strand). VCF-style: chrX-38299080-T-C. GRCh37 (hg19) VCF-style: chrX-38158333-T-C.
Other names: c.1121A>G, p.Glu374Gly (NM_000328.3, NM_001367247.1); c.1118A>G, p.Glu373Gly (NM_001367245.1, NM_001367249.1, NM_001367250.1); c.1151A>G, p.Glu384Gly (NM_001367248.1); c.1060-1628A>G (NM_001367251.1, NM_001367246.1); short protein forms E384G, E374G, E373G.
Identifiers: ClinVar variation 3544493 (VCV003544493.1).
Genomic context (GRCh38, chrX:38,299,080, plus strand): 5'-CTATACGGCAGAAAAGTCGCCACAGATAAGCAAGTATCATTTATTTCATCGAATTCAATT[T>C]CTTTTGCCACACCACGATGAGGAGCAGCAAAAACTACCATGTGACATCCACCACAAGCAA-3'
Protein context (NP_001030025.1, residues 364-384): FAAPHRGVAK[Glu374Gly]IEFDEINDTC